The following is an entry in ClinVar:

NM_003126.4(SPTA1):c.3728G>A (p.Gly1243Glu)

Gene: SPTA1 (spectrin alpha, erythrocytic 1; minus strand). Cytogenetic location: 1q23.1.
Variant type: single nucleotide variant.
Coding change: c.3728G>A on transcript NM_003126.4 (MANE Select); coding-DNA position 3728, G replaced by A.
Protein change: p.Gly1243Glu; replaces glycine 1243 with glutamic acid.
Molecular consequence: missense variant.
Genome position (GRCh38, 1-based): chr1:158,647,707, C>T on the plus strand (G>A on the coding strand, the complement: SPTA1 is on the minus strand). VCF-style: chr1-158647707-C-T. GRCh37 (hg19) VCF-style: chr1-158617497-C-T.
Other names: p.Gly1243Glu; short protein forms G1243E.
Identifiers: ClinVar variation 3380043 (VCV003380043.1).

ClinVar aggregate classification (germline): Uncertain significance (1 of 4 stars; one submission).

Submission:

Mayo Clinic Laboratories, Mayo Clinic
Classification: Uncertain significance. Last evaluated: 2023-09-26. Review status: criteria provided, single submitter. Criteria: ACMG Guidelines, 2015. Collection method: clinical testing. Allele origin: germline. Observed: 1 variant allele.
Comment: BP4, PM2_moderate